The following is an entry in ClinVar:

ClinVar aggregate classification (germline): Uncertain significance. Review status: criteria provided, multiple submitters, no conflicts (2 of 4 stars). 2 submissions from 2 submitters: Uncertain significance (2). Last evaluated 2022-02-04.

Conditions:
Lipodystrophy, partial, acquired, susceptibility to (APLD). Also called: APLD, SUSCEPTIBILITY TO. Identifiers: MedGen C3887501, MONDO:0100476, OMIM 608709.
Progressive myoclonic epilepsy type 9. Identifiers: Orphanet 457265, MedGen C4225289, MONDO:0014685, OMIM 616540.

gnomAD v4.1: 25 of 1,607,516 alleles (0.0016%); highest among the groups gnomAD compares: Middle Eastern, 0.02%; no homozygotes.

Submissions (2):

Labcorp Genetics (formerly Invitae), Labcorp
Classification: Uncertain significance for Progressive myoclonic epilepsy type 9; Lipodystrophy, partial, acquired, susceptibility to. Last evaluated: 2022-02-04. Review status: criteria provided, single submitter. Criteria: Invitae Variant Classification Sherloc (09022015). Collection method: clinical testing. Allele origin: germline.
Comment: In summary, the available evidence is currently insufficient to determine the role of this variant in disease. Therefore, it has been classified as a Variant of Uncertain Significance. Algorithms developed to predict the effect of missense changes on protein structure and function (SIFT, PolyPhen-2, Align-GVGD) all suggest that this variant is likely to be disruptive. This variant has not been reported in the literature in individuals affected with LMNB2-related conditions. This variant is present in population databases (rs148213507, gnomAD 0.004%). This sequence change replaces serine, which is neutral and polar, with arginine, which is basic and polar, at codon 134 of the LMNB2 protein (p.Ser134Arg).

Breakthrough Genomics
Classification: Uncertain significance. Review status: criteria provided, single submitter. Criteria: ACMG Guidelines, 2015. Collection method: not provided. Allele origin: germline. Inheritance: Autosomal recessive inheritance. Affected: yes.

NM_032737.4(LMNB2):c.402C>A (p.Ser134Arg)

Gene: LMNB2 (lamin B2; minus strand). Cytogenetic location: 19p13.3.
Variant type: single nucleotide variant.
Coding change: c.402C>A on transcript NM_032737.4 (MANE Select); coding-DNA position 402, C replaced by A.
Protein change: p.Ser134Arg; replaces serine 134 with arginine.
Molecular consequence: missense variant.
Genome position (GRCh38, 1-based): chr19:2,438,531, G>T on the plus strand (C>A on the coding strand, the complement: LMNB2 is on the minus strand). VCF-style: chr19-2438531-G-T. GRCh37 (hg19) VCF-style: chr19-2438529-G-T.
Other names: short protein forms S134R.
Identifiers: ClinVar variation 1434386 (VCV001434386.9), dbSNP rs148213507, ClinGen allele CA9067898.